The following is an entry in ClinVar:

ClinVar aggregate classification (germline): Conflicting classifications of pathogenicity. Review status: criteria provided, conflicting classifications (1 of 4 stars). 11 submissions from 11 submitters: Uncertain significance (9); Likely benign (1). 1 of the submissions does not count toward it. Last evaluated 2025-11-05.

Conditions:
Hereditary cancer-predisposing syndrome. Also called: Hereditary Cancer Syndrome; Hereditary neoplastic syndrome; Tumor predisposition; Neoplastic Syndromes, Hereditary. Identifiers: Orphanet 140162, MedGen C0027672, MeSH D009386, MONDO:0015356.
Hereditary breast ovarian cancer syndrome. Also called: Hereditary breast and ovarian cancer syndrome; Hereditary breast and ovarian cancer syndrome (HBOC); BRCA1- and BRCA2-Associated Hereditary Breast and Ovarian Cancer; Breast and ovarian cancer; Hereditary breast and ovarian cancer; Hereditary breast and/or ovarian cancer syndrome. Identifiers: Orphanet 145, MedGen C0677776, MeSH D061325, MONDO:0003582. Disease mechanism: loss of function.
Pancreatic cancer, susceptibility to, 4. Identifiers: Orphanet 1333, MedGen C3280442, MONDO:0013685, OMIM 614320.
Fanconi anemia, complementation group S (FANCS). Identifiers: MedGen C4554406, MONDO:0054748, OMIM 617883.
Breast-ovarian cancer, familial, susceptibility to, 1 (BROVCA1). Also called: OVARIAN CANCER, SUSCEPTIBILITY TO; BRCA1 Hereditary Breast and Ovarian Cancer. Identifiers: Orphanet 145, MedGen C2676676, MONDO:0011450, OMIM 604370. Disease mechanism: loss of function.

Allele frequency attached by ClinVar (database versions not stated): TOPMed 0.00001.
gnomAD v4.1: 2 of 1,613,888 alleles (0.00012%); highest among the groups gnomAD compares: Admixed American, 0.0017%; no homozygotes.

Submissions (11):

Labcorp Genetics (formerly Invitae), Labcorp
Classification: Uncertain significance for Hereditary breast ovarian cancer syndrome. Last evaluated: 2025-11-05. Review status: criteria provided, single submitter. Criteria: Invitae Variant Classification Sherloc (09022015). Collection method: clinical testing. Allele origin: germline.
Comment: This sequence change replaces arginine, which is basic and polar, with leucine, which is neutral and non-polar, at codon 1028 of the BRCA1 protein (p.Arg1028Leu). This variant is present in population databases (rs80357459, gnomAD 0.003%). This missense change has been observed in individual(s) with a personal or family history of breast and/or ovarian cancer (PMID: 21318380, 22366370). ClinVar contains an entry for this variant (Variation ID: 185826). Invitae Evidence Modeling of protein sequence and biophysical properties (such as structural, functional, and spatial information, amino acid conservation, physicochemical variation, residue mobility, and thermodynamic stability) indicates that this missense variant is not expected to disrupt BRCA1 protein function with a negative predictive value of 80%. In summary, the available evidence is currently insufficient to determine the role of this variant in disease. Therefore, it has been classified as a Variant of Uncertain Significance.

Quest Diagnostics Nichols Institute San Juan Capistrano
Classification: Uncertain significance. Last evaluated: 2025-10-03. Review status: criteria provided, single submitter. Criteria: Quest Diagnostics criteria. Collection method: clinical testing. Allele origin: unknown.
Comment: The BRCA1 c.3083G>T (p.Arg1028Leu) variant has been reported in the published literature in individuals with a personal and/or family history of breast and/or ovarian cancer (PMID: 21318380 (2011), 22366370 (2012), 33471991 (2021), see also LOVD) and is described to be located in a region of the BRCA1 gene that is tolerant to missense sequence changes (PMID: 31911673 (2020)). The frequency of this variant in the general population (Genome Aggregation Database) is uninformative in the assessment of its pathogenicity. Analysis of this variant using bioinformatics tools for the prediction of the effect of amino acid changes on protein structure and function yielded predictions that this variant is benign. Based on the available information, we are unable to determine the clinical significance of this variant.

Color Diagnostics, LLC DBA Color Health
Classification: Uncertain significance for Hereditary cancer-predisposing syndrome. Last evaluated: 2025-01-07. Review status: criteria provided, single submitter. Criteria: ACMG Guidelines, 2015. Collection method: clinical testing. Allele origin: germline.
Comment: This missense variant replaces arginine with leucine at codon 1028 of the BRCA1 protein. This variant is located in a cold spot region where missense variants are unlikely to be pathogenic (PMID:31911673). Computational prediction suggests that this variant may not impact protein structure and function. To our knowledge, functional studies have not been reported for this variant. This variant has been reported in individuals with personal or family history of breast and/or ovarian cancer (PMID: 21318380, 22366370, 31159747) and in a breast cancer case-control meta-analysis in 1/60466 cases and 0/53461 unaffected individuals (PMID: 33471991; Leiden Open Variation Database DB-ID BRCA1_005342). This variant has been identified in 1/251102 chromosomes in the general population by the Genome Aggregation Database (gnomAD). The available evidence is insufficient to determine the role of this variant in disease conclusively. Therefore, this variant is classified as a Variant of Uncertain Significance.

Fulgent Genetics
Classification: Uncertain significance for Breast-ovarian cancer, familial, susceptibility to, 1; Pancreatic cancer, susceptibility to, 4; Fanconi anemia, complementation group S. Last evaluated: 2024-03-28. Review status: criteria provided, single submitter. Criteria: ACMG Guidelines, 2015. Collection method: clinical testing. Allele origin: germline.

All of Us Research Program, National Institutes of Health
Classification: Uncertain significance for Breast-ovarian cancer, familial, susceptibility to, 1. Last evaluated: 2023-11-02. Review status: criteria provided, single submitter. Criteria: ACMG Guidelines, 2015. Collection method: clinical testing. Allele origin: germline. Inheritance: Autosomal dominant inheritance. Observed: 2 variant alleles, 2 heterozygotes.
Comment: This missense variant replaces arginine with leucine at codon 1028 of the BRCA1 protein. Computational prediction suggests that this variant may not impact protein structure and function (internally defined REVEL score threshold <= 0.5, PMID: 27666373). To our knowledge, functional studies have not been reported for this variant. This variant has been reported in individuals with personal or family history of breast and/or ovarian cancer (PMID: 21318380, 22366370, 31159747) and in a breast cancer case-control meta-analysis in 1/60466 cases and 0/53461 unaffected individuals (PMID: 33471991; Leiden Open Variation Database DB-ID BRCA1_005342). This variant has been identified in 1/251102 chromosomes in the general population by the Genome Aggregation Database (gnomAD). The available evidence is insufficient to determine the role of this variant in disease conclusively. Therefore, this variant is classified as a Variant of Uncertain Significance.

This study involves interpretation of variants in research participants for the purpose of population health screening. Participant phenotype was not available at the time of variant classification. Additional details can be found in publication PMID: 35346344, PMCID: PMC8962531

Ambry Genetics
Classification: Uncertain significance for Hereditary cancer-predisposing syndrome. Last evaluated: 2023-07-31. Review status: criteria provided, single submitter. Criteria: Ambry Variant Classification Scheme 2023. Collection method: clinical testing. Allele origin: germline.
Comment: The p.R1028L variant (also known as c.3083G>T), located in coding exon 9 of the BRCA1 gene, results from a G to T substitution at nucleotide position 3083. The arginine at codon 1028 is replaced by leucine, an amino acid with dissimilar properties. This alteration has been reported as a variant of unknown significance in 1/1197 individuals from Greece, Romania, and Turkey undergoing evaluation for inherited cancer predisposition (Tsaousis GN et al. BMC Cancer, 2019 Jun;19:535). This amino acid position is poorly conserved in available vertebrate species. In addition, this alteration is predicted to be tolerated by in silico analysis. Since supporting evidence is limited at this time, the clinical significance of this alteration remains unclear.

University of Washington Department of Laboratory Medicine, University of Washington
Classification: Likely benign for Hereditary cancer-predisposing syndrome. Last evaluated: 2023-03-23. Review status: criteria provided, single submitter. Criteria: Dines et al. (Genet Med. 2020). Collection method: curation. Allele origin: germline.
Comment: Missense variant in a coldspot region where missense variants are very unlikely to be pathogenic (PMID:31911673).

BRCA1 coldspot (exon 11 using historical exon numbering). Reclassification based on statistical prior probability

Institute for Clinical Genetics, University Hospital TU Dresden, University Hospital TU Dresden
Classification: Uncertain significance. Last evaluated: 2023-03-22. Review status: criteria provided, single submitter. Criteria: ACMG Guidelines, 2015. Collection method: clinical testing. Allele origin: germline.
Comment: PM2_SUP

Women's Health and Genetics/Laboratory Corporation of America, LabCorp
Classification: Uncertain significance. Last evaluated: 2021-01-16. Review status: criteria provided, single submitter. Criteria: LabCorp Variant Classification Summary - May 2015. Collection method: clinical testing. Allele origin: germline.
Comment: Variant summary: BRCA1 c.3083G>T (p.Arg1028Leu) results in a non-conservative amino acid change in the encoded protein sequence. Four of five in-silico tools predict a benign effect of the variant on protein function. The variant allele was found at a frequency of 4e-06 in 251102 control chromosomes. The available data on variant occurrences in the general population are insufficient to allow any conclusion about variant significance. These report(s) do not provide unequivocal conclusions about association of the variant with Hereditary Breast And Ovarian Cancer Syndrome. To our knowledge, no experimental evidence demonstrating an impact on protein function has been reported. Four clinical diagnostic laboratories have submitted clinical-significance assessments for this variant to ClinVar after 2014 without evidence for independent evaluation. All laboratories classified the variant as uncertain significance. Some submitters cite overlapping evidence utilized in the context of this evaluation. Based on the evidence outlined above, the variant was classified as uncertain significance.

GeneKor MSA
Classification: Uncertain significance for Hereditary cancer-predisposing syndrome. Last evaluated: 2018-08-01. Review status: criteria provided, single submitter. Criteria: ACMG Guidelines, 2015. Collection method: clinical testing. Allele origin: germline.

Zotz-Klimas Genetics Lab, MVZ Zotz Klimas
Classification: Uncertain significance for Breast-ovarian cancer, familial, susceptibility to, 1. Last evaluated: 2023-10-09. Review status: no assertion criteria provided. Collection method: clinical testing. Allele origin: germline. Affected: yes. Not counted in ClinVar's aggregate classification.

Literature cited by the submitters: PubMed 21318380 (cited by 6 submitters); PubMed 22366370 (cited by 6 submitters); PubMed 31159747 (cited by 5 submitters); PubMed 31911673 (cited by Quest Diagnostics Nichols Institute San Juan Capistrano and Color Diagnostics, LLC DBA Color Health); PubMed 33471991 (cited by 3 submitters).

NM_007294.4(BRCA1):c.3083G>T (p.Arg1028Leu)

Gene: BRCA1 (BRCA1 DNA repair associated; minus strand). Cytogenetic location: 17q21.31.
Variant type: single nucleotide variant.
Coding change: c.3083G>T on transcript NM_007294.4 (MANE Select); coding-DNA position 3083, G replaced by T.
Protein change: p.Arg1028Leu; replaces arginine 1028 with leucine.
Molecular consequence: missense variant. On other transcripts: intron variant (137).
Genome position (GRCh38, 1-based): chr17:43,092,448, C>A on the plus strand (G>T on the coding strand, the complement: BRCA1 is on the minus strand). VCF-style: chr17-43092448-C-A. GRCh37 (hg19) VCF-style: chr17-41244465-C-A.
Other names: c.2960G>T, p.Arg987Leu (NM_001407683.1, NM_001407863.1, NM_001407939.1 and 19 more transcripts); c.3083G>T, p.Arg1028Leu (NM_001407684.1, NM_001407854.1, NM_001407858.1 and 30 more transcripts); c.2957G>T, p.Arg986Leu (NM_001407685.1, NM_001407686.1, NM_001407687.1 and 11 more transcripts); c.2942G>T, p.Arg981Leu (NM_001407692.1, NM_001407728.1, NM_001407729.1 and 29 more transcripts); c.2939G>T, p.Arg980Leu (NM_001407747.1, NM_001407748.1, NM_001407749.1 and 20 more transcripts); c.2870G>T, p.Arg957Leu (NM_001407853.1, NM_001407894.1, NM_001407895.1 and 9 more transcripts); c.3080G>T, p.Arg1027Leu (NM_001407860.1, NM_001407861.1, NM_001407627.1 and 22 more transcripts); c.2882G>T, p.Arg961Leu (NM_001407862.1); and 41 more; short protein forms R1028L, R981L, R901L, R940L, R958L, R980L, R987L, R1002L.
Identifiers: ClinVar variation 185826 (VCV000185826.35), dbSNP rs80357459, ClinGen allele CA002022.